The following is an entry in ClinVar:

NM_000093.5(COL5A1):c.2601C>T (p.Leu867=)

Gene: COL5A1 (collagen type V alpha 1 chain; plus strand). Cytogenetic location: 9q34.3.
Variant type: single nucleotide variant.
Coding change: c.2601C>T on transcript NM_000093.5 (MANE Select); coding-DNA position 2601, C replaced by T.
Protein change: p.Leu867=; no amino-acid change (leucine 867 retained).
Molecular consequence: synonymous variant.
Genome position (GRCh38, 1-based): chr9:134,786,003, C>T. VCF-style: chr9-134786003-C-T. GRCh37 (hg19) VCF-style: chr9-137677849-C-T.
Other names: c.2601C>T, p.Leu867= (NM_001278074.1).
Identifiers: ClinVar variation 766954 (VCV000766954.13), dbSNP rs767014646, ClinGen allele CA5319477.
Genomic context (GRCh38, chr9:134,786,003, plus strand): 5'-ACGGATGGAGCAATACCGTGCTGGCCATTAATGCAACTCTTTCTTCCCCCAGGGAAAACT[C>T]GGAGTCCCAGGGTTACCAGGGTATCCAGGAAGACAAGGACCAAAGGTAACTTCTGGCCGT-3'
Protein context (NP_000084.3, residues 857-877): PLGPPGEKGK[Leu867=]GVPGLPGYPG

ClinVar aggregate classification (germline): Likely benign. Review status: criteria provided, multiple submitters, no conflicts (2 of 4 stars). 3 submissions from 3 submitters: Likely benign (3). Last evaluated 2024-12-20.

Conditions:
COL5A1-related disorder. Also called: COL5A1-related condition.
Ehlers-Danlos syndrome, classic type, 1 (EDSCL1). Also called: Ehlers-Danlos syndrome, type 1; EHLERS-DANLOS SYNDROME, GRAVIS TYPE; EHLERS-DANLOS SYNDROME, SEVERE CLASSIC TYPE; Ehlers-Danlos Syndrome, Classic Type, COL5A1-Related; EDS I. Identifiers: MedGen C0268335, MONDO:0019567, OMIM 130000.
Familial thoracic aortic aneurysm and aortic dissection (TAAD). Also called: Thoracic aortic aneurysms and dissections. Identifiers: Orphanet 91387, MedGen C4707243, MONDO:0019625.

Allele frequency attached by ClinVar (database versions not stated): ExAC 0.00002; gnomAD 0.00002; gnomAD exomes 0.00002; TOPMed 0.00003.
gnomAD v4.1: 25 of 1,613,190 alleles (0.0015%); highest among the groups gnomAD compares: African/African-American, 0.0053%; no homozygotes.

Submissions (3):

PreventionGenetics, part of Exact Sciences
Classification: Likely benign for COL5A1-related condition. Last evaluated: 2024-12-20. Review status: criteria provided, single submitter. Criteria: ACMG Guidelines, 2015. Collection method: clinical testing. Allele origin: germline.
Comment: This variant is classified as likely benign based on ACMG/AMP sequence variant interpretation guidelines (Richards et al. 2015 PMID: 25741868, with internal and published modifications).

Labcorp Genetics (formerly Invitae), Labcorp
Classification: Likely benign for Ehlers-Danlos syndrome, classic type, 1. Last evaluated: 2024-11-30. Review status: criteria provided, single submitter. Criteria: Invitae Variant Classification Sherloc (09022015). Collection method: clinical testing. Allele origin: germline.

Ambry Genetics
Classification: Likely benign for Familial thoracic aortic aneurysm and aortic dissection. Last evaluated: 2022-07-25. Review status: criteria provided, single submitter. Criteria: Ambry Variant Classification Scheme 2023. Collection method: clinical testing. Allele origin: germline.